The following is an entry in ClinVar:

ClinVar aggregate classification (germline): Benign (1 of 4 stars; one submission).

Conditions:
Von Hippel-Lindau syndrome (VHLS). Also called: Von Hippel-Lindau; von Hippel–Lindau syndrome; VHL syndrome. Identifiers: Orphanet 892, MedGen C0019562, MONDO:0008667, OMIM 193300. Disease mechanism: loss of function.

Allele frequency attached by ClinVar (database versions not stated): gnomAD 0.12032 and 0.12455; TOPMed 0.12800; 1000 Genomes Project 0.14637.
gnomAD v4.1: 11,344 of 95,108 alleles (12%); highest among the groups gnomAD compares: African/African-American, 38%; 1,759 homozygotes.

Submissions (5):

Illumina Laboratory Services, Illumina
Classification: Benign for Von Hippel-Lindau syndrome. Last evaluated: 2018-01-12. Review status: criteria provided, single submitter. Criteria: ICSL Variant Classification Criteria 13 December 2019. Collection method: clinical testing. Allele origin: germline.
Comment: This variant was observed in the ICSL laboratory as part of a predisposition screen in an ostensibly healthy population. It had not been previously curated by ICSL or reported in the Human Gene Mutation Database (HGMD: prior to June 1st, 2018), and was therefore a candidate for classification through an automated scoring system. Utilizing variant allele frequency, disease prevalence and penetrance estimates, and inheritance mode, an automated score was calculated to assess if this variant is too frequent to cause the disease. Based on the score and internal cut-off values, a variant classified as benign is not then subjected to further curation. The score for this variant resulted in a classification of benign for this disease.

Dr. Peter K. Rogan Lab, Western University
No classification provided (evidence only). Condition: Ovarian serous cystadenocarcinoma. Review status: no classification provided. Collection method: in vitro. Allele origin: not applicable. Functional consequence: retained intron. Not counted in ClinVar's aggregate classification.

Dr. Peter K. Rogan Lab, Western University
No classification provided (evidence only). Condition: Chronic lymphocytic leukemia/small lymphocytic lymphoma. Review status: no classification provided. Collection method: in vitro. Allele origin: not applicable. Functional consequence: retained intron. Not counted in ClinVar's aggregate classification.

Dr. Peter K. Rogan Lab, Western University
No classification provided (evidence only). Condition: Ovarian cancer. Review status: no classification provided. Collection method: in vitro. Allele origin: not applicable. Functional consequence: retained intron. Not counted in ClinVar's aggregate classification.

Dr. Peter K. Rogan Lab, Western University
No classification provided (evidence only). Condition: Ovarian cancer. Review status: no classification provided. Collection method: in vitro. Allele origin: not applicable. Functional consequence: retained intron. Not counted in ClinVar's aggregate classification.

NM_000551.4(VHL):c.*2548G>A

Genes: VHL (von Hippel-Lindau tumor suppressor; plus strand), LOC107303340 (3p25 von Hippel-Lindau tumor suppressor, E3 ubiquitin protein ligase Alu-mediated recombination region; plus strand). Cytogenetic location: 3p25.3.
Variant type: single nucleotide variant.
Coding change: c.*2548G>A on transcript NM_000551.4 (MANE Select); 2548 bases downstream of the stop codon, G replaced by A.
Molecular consequence: 3 prime UTR variant.
Genome position (GRCh38, 1-based): chr3:10,152,513, G>A. VCF-style: chr3-10152513-G-A. GRCh37 (hg19) VCF-style: chr3-10194197-G-A.
Other names: NC_000003.11:g.10194197G>A; c.*2744G>A (NM_001354723.2); c.*2548G>A (NM_198156.3).
Identifiers: ClinVar variation 342475 (VCV000342475.6), dbSNP rs187719061, ClinGen allele CA10616699.